The following is an entry in ClinVar:

ClinVar aggregate classification (germline): Pathogenic/Likely pathogenic. Review status: criteria provided, multiple submitters, no conflicts (2 of 4 stars). 3 submissions from 3 submitters: Pathogenic (1); Likely pathogenic (2). Last evaluated 2025-05-30.

Conditions:
Cholestanol storage disease (CTX). Also called: CEREBRAL CHOLESTERINOSIS; Cerebrotendinous Xanthomatosis; CTX: Cerebrotendinous xanthomatosis. Identifiers: Orphanet 909, MedGen C0238052, MONDO:0008948, OMIM 213700.

Submissions (3):

Natera, Inc.
Classification: Likely pathogenic for Cerebrotendinous xanthomatosis. Last evaluated: 2025-05-30. Review status: criteria provided, single submitter. Criteria: Natera Variant Classification Schema (03/2026). Collection method: clinical testing. Allele origin: germline.
Comment: The c.1126delC variant in CYP27A1 is a frameshift variant predicted to shift the reading frame beginning at codon 376 and leads to a stop codon 32 codons downstream. This variant is expected to result in nonsense mediated decay, truncation, or a dysfunctional protein product. This variant is rare in the general population with a frequency below the threshold expected for the associated phenotype(s). Given the available evidence, this variant is classified as Likely Pathogenic.

Labcorp Genetics (formerly Invitae), Labcorp
Classification: Pathogenic for Cholestanol storage disease. Last evaluated: 2023-08-02. Review status: criteria provided, single submitter. Criteria: Invitae Variant Classification Sherloc (09022015). Collection method: clinical testing. Allele origin: germline.
Comment: This variant is present in population databases (no rsID available, gnomAD 0.007%). This sequence change creates a premature translational stop signal (p.Gln376Serfs*32) in the CYP27A1 gene. It is expected to result in an absent or disrupted protein product. Loss-of-function variants in CYP27A1 are known to be pathogenic (PMID: 9392430, 10775536, 26937392). For these reasons, this variant has been classified as Pathogenic. Algorithms developed to predict the effect of sequence changes on RNA splicing suggest that this variant may create or strengthen a splice site. ClinVar contains an entry for this variant (Variation ID: 1804694). This variant has not been reported in the literature in individuals affected with CYP27A1-related conditions.

Women's Health and Genetics/Laboratory Corporation of America, LabCorp
Classification: Likely pathogenic for Cholestanol storage disease. Last evaluated: 2022-11-15. Review status: criteria provided, single submitter. Criteria: LabCorp Variant Classification Summary - May 2015. Collection method: clinical testing. Allele origin: germline.
Comment: Variant summary: CYP27A1 c.1126delC (p.Gln376SerfsX32) results in a premature termination codon, predicted to cause a truncation of the encoded protein or absence of the protein due to nonsense mediated decay, which are commonly known mechanisms for disease. Truncations downstream of this position have been reported in association with Cerebrotendinous xanthomatosis in HGMD.The variant allele was found at a frequency of 4e-06 in 251404 control chromosomes. To our knowledge, no occurrence of c.1126delC in individuals affected with Cerebrotendinous Xanthomatosis (CTX), however, an infant diagnosed with CTX with the same expected protein variant (p.E408*) has been reported in the literature (von Bahr_2005). No experimental evidence demonstrating the impact of this variant on protein function have been reported. No clinical diagnostic laboratories have submitted clinical-significance assessments for this variant to ClinVar after 2014. Based on the evidence outlined above, the variant was classified as likely pathogenic.

Literature cited by the submitters: PubMed 9392430 (cited by Labcorp Genetics (formerly Invitae), Labcorp); PubMed 10775536 (cited by Labcorp Genetics (formerly Invitae), Labcorp); PubMed 26937392 (cited by Labcorp Genetics (formerly Invitae), Labcorp); PubMed 15795599 (cited by Women's Health and Genetics/Laboratory Corporation of America, LabCorp).

NM_000784.4(CYP27A1):c.1126del (p.Gln376fs)

Gene: CYP27A1 (cytochrome P450 family 27 subfamily A member 1; plus strand). Cytogenetic location: 2q35.
Variant type: Deletion.
Coding change: c.1126del on transcript NM_000784.4 (MANE Select); coding-DNA position 1126, one base deleted (C; older notation c.1126delC).
Protein change: p.Gln376fs; shifts the reading frame from glutamine 376.
Molecular consequence: frameshift variant.
Genome position (GRCh38, 1-based): chr2:218,814,129, C deleted; the last of 4 consecutive C bases (chr2:218,814,126-218,814,129); deleting any one gives the same sequence. VCF-style (leftmost placement, unchanged base first): chr2-218814125-GC-G. GRCh37 (hg19) VCF-style: chr2-219678848-GC-G.
Other names: short protein forms Q376fs.
Identifiers: ClinVar variation 1804694 (VCV001804694.9), dbSNP rs1449962580, ClinGen allele CA539840565.